The following is an entry in ClinVar:

ClinVar aggregate classification (germline): Uncertain significance. Review status: criteria provided, multiple submitters, no conflicts (2 of 4 stars). 2 submissions from 2 submitters: Uncertain significance (2). Last evaluated 2025-06-09.

Conditions:
Inborn genetic diseases. Identifiers: MedGen C0950123, MeSH D030342.
Neuronal ceroid lipofuscinosis. Also called: Neuronal Ceroid Lipofuscinoses. Identifiers: Orphanet 216, Orphanet 79263, MedGen C0027877, MONDO:0016295. Disease mechanism: loss of function.

Submissions (2):

Ambry Genetics
Classification: Uncertain significance for Inborn genetic diseases. Last evaluated: 2025-06-09. Review status: criteria provided, single submitter. Criteria: Ambry Variant Classification Scheme 2023. Collection method: clinical testing. Allele origin: germline.

Labcorp Genetics (formerly Invitae), Labcorp
Classification: Uncertain significance for Neuronal ceroid lipofuscinosis. Last evaluated: 2022-02-04. Review status: criteria provided, single submitter. Criteria: Invitae Variant Classification Sherloc (09022015). Collection method: clinical testing. Allele origin: germline.
Comment: This sequence change replaces serine, which is neutral and polar, with cysteine, which is neutral and slightly polar, at codon 11 of the CLN5 protein (p.Ser11Cys). This variant is not present in population databases (gnomAD no frequency). This variant has not been reported in the literature in individuals affected with CLN5-related conditions. Algorithms developed to predict the effect of missense changes on protein structure and function are either unavailable or do not agree on the potential impact of this missense change (SIFT: "Deleterious"; PolyPhen-2: "Possibly Damaging"; Align-GVGD: "Class C0"). In summary, the available evidence is currently insufficient to determine the role of this variant in disease. Therefore, it has been classified as a Variant of Uncertain Significance.

NC_000013.11:g.76991983C>G

Gene: CLN5 (CLN5 lysosomal BMP synthase; plus strand). Cytogenetic location: 13q22.3.
Variant type: single nucleotide variant.
Molecular consequence: missense variant (on NM_006493.2).
Genome position: GRCh38 VCF-style: chr13-76991983-C-G. GRCh37 (hg19) VCF-style: chr13-77566118-C-G.
Other names: c.32C>G, p.Ser11Cys (NM_006493.2); short protein forms S11C.
Identifiers: ClinVar variation 2148449 (VCV002148449.2), dbSNP rs554937565, ClinGen allele CA7007071.